The following is an entry in ClinVar:

NM_001038603.3(MARVELD2):c.1286C>T (p.Pro429Leu)

Gene: MARVELD2 (MARVEL domain containing 2; plus strand). Cytogenetic location: 5q13.2.
Variant type: single nucleotide variant.
Coding change: c.1286C>T on transcript NM_001038603.3 (MANE Select); coding-DNA position 1286, C replaced by T.
Protein change: p.Pro429Leu; replaces proline 429 with leucine.
Molecular consequence: missense variant.
Genome position (GRCh38, 1-based): chr5:69,432,630, C>T. VCF-style: chr5-69432630-C-T. GRCh37 (hg19) VCF-style: chr5-68728457-C-T.
Other names: c.1250C>T, p.Pro417Leu (NM_001244734.2); short protein forms P429L, P417L.
Identifiers: ClinVar variation 517384 (VCV000517384.4), dbSNP rs1554047535, ClinGen allele CA359927042.

ClinVar aggregate classification (germline): Uncertain significance (1 of 4 stars; one submission).

Allele frequency attached by ClinVar (database versions not stated): gnomAD exomes below 0.00001.
gnomAD v4.1: 2 of 1,614,108 alleles (0.00012%); highest among the groups gnomAD compares: Non-Finnish European, 0.00017%; no homozygotes.

Submission:

Laboratory for Molecular Medicine, Mass General Brigham Personalized Medicine
Classification: Uncertain significance. Last evaluated: 2017-05-21. Review status: criteria provided, single submitter. Criteria: LMM Criteria. Collection method: clinical testing. Allele origin: germline. Observed: 1 variant allele.
Comment: The p.Pro429Leu variant in MARVELD2 has not been previously reported in individu als with hearing loss and was absent from large population databases. Computatio nal prediction tools and conservation analyses suggest that this variant may imp act the protein, though this information is not predictive enough to determine p athogenicity. In summary, the clinical significance of this variant is uncertain .